The following is an entry in ClinVar:

ClinVar aggregate classification (germline): Uncertain significance (1 of 4 stars; one submission).

Submission:

GeneDx
Classification: Uncertain significance. Last evaluated: 2022-03-23. Review status: criteria provided, single submitter. Criteria: GeneDx Variant Classification Process June 2021. Collection method: clinical testing. Allele origin: germline. Affected: yes.
Comment: Not observed at significant frequency in large population cohorts (gnomAD); In silico analysis supports that this missense variant has a deleterious effect on protein structure/function; Has not been previously published as pathogenic or benign to our knowledge

NM_000053.4(ATP7B):c.2957C>G (p.Ser986Cys)

Gene: ATP7B (ATPase copper transporting beta; minus strand). Cytogenetic location: 13q14.3.
Variant type: single nucleotide variant.
Coding change: c.2957C>G on transcript NM_000053.4 (MANE Select); coding-DNA position 2957, C replaced by G.
Protein change: p.Ser986Cys; replaces serine 986 with cysteine.
Molecular consequence: missense variant.
Genome position (GRCh38, 1-based): chr13:51,946,387, G>C on the plus strand (C>G on the coding strand, the complement: ATP7B is on the minus strand). VCF-style: chr13-51946387-G-C. GRCh37 (hg19) VCF-style: chr13-52520523-G-C.
Other names: c.2336C>G, p.Ser779Cys (NM_001005918.3); c.2624C>G, p.Ser875Cys (NM_001243182.2); c.2723C>G, p.Ser908Cys (NM_001330578.2, NM_001406527.1, NM_001406528.1 and 1 more transcripts); c.2705C>G, p.Ser902Cys (NM_001330579.2, NM_001406531.1, NM_001406532.1); c.2957C>G, p.Ser986Cys (NM_001406511.1, NM_001406512.1, NM_001406513.1 and 2 more transcripts); c.2924C>G, p.Ser975Cys (NM_001406514.1); c.2903C>G, p.Ser968Cys (NM_001406515.1, NM_001406516.1); c.2861C>G, p.Ser954Cys (NM_001406517.1, NM_001406518.1); and 12 more; short protein forms S556C, S770C, S779C, S792C, S824C, S843C, S870C, S875C.
Identifiers: ClinVar variation 1708015 (VCV001708015.2), dbSNP rs1337256944, ClinGen allele CA388032277.